The following is an entry in ClinVar:

NM_138459.5(NUS1):c.226T>G (p.Ser76Ala)

Gene: NUS1 (NUS1 dehydrodolichyl diphosphate synthase subunit; plus strand). Cytogenetic location: 6q22.1.
Variant type: single nucleotide variant.
Coding change: c.226T>G on transcript NM_138459.5 (MANE Select); coding-DNA position 226, T replaced by G.
Protein change: p.Ser76Ala; replaces serine 76 with alanine.
Molecular consequence: missense variant.
Genome position (GRCh38, 1-based): chr6:117,675,896, T>G. VCF-style: chr6-117675896-T-G. GRCh37 (hg19) VCF-style: chr6-117997059-T-G.
Other names: short protein forms S76A.
Identifiers: ClinVar variation 2974224 (VCV002974224.3), dbSNP rs2481983138, ClinGen allele CA365536158.

ClinVar aggregate classification (germline): Uncertain significance (1 of 4 stars; one submission).

Conditions:
Congenital disorder of glycosylation, type Iaa. Also called: Congenital disorder of glycosylation, type 1aa. Identifiers: MedGen C4310727, MONDO:0014904, OMIM 617082.

Submission:

Labcorp Genetics (formerly Invitae), Labcorp
Classification: Uncertain significance for Congenital disorder of glycosylation, type Iaa. Last evaluated: 2023-06-27. Review status: criteria provided, single submitter. Criteria: Invitae Variant Classification Sherloc (09022015). Collection method: clinical testing. Allele origin: germline.
Comment: In summary, the available evidence is currently insufficient to determine the role of this variant in disease. Therefore, it has been classified as a Variant of Uncertain Significance. An algorithm developed to predict the effect of missense changes on protein structure and function (PolyPhen-2) suggests that this variant is likely to be tolerated. This variant has not been reported in the literature in individuals affected with NUS1-related conditions. This variant is not present in population databases (gnomAD no frequency). This sequence change replaces serine, which is neutral and polar, with alanine, which is neutral and non-polar, at codon 76 of the NUS1 protein (p.Ser76Ala).